The following is an entry in ClinVar:

NM_001267550.2(TTN):c.76487C>G (p.Pro25496Arg)

Genes: TTN (titin; minus strand), TTN-AS1 (TTN antisense RNA 1; plus strand). Cytogenetic location: 2q31.2.
Variant type: single nucleotide variant.
Coding change: c.76487C>G on transcript NM_001267550.2 (MANE Select); coding-DNA position 76487, C replaced by G.
Protein change: p.Pro25496Arg; replaces proline 25496 with arginine.
Molecular consequence: missense variant.
Genome position (GRCh38, 1-based): chr2:178,569,645, G>C on the plus strand (C>G on the coding strand, the complement: TTN is on the minus strand). VCF-style: chr2-178569645-G-C. GRCh37 (hg19) VCF-style: chr2-179434372-G-C.
Other names: c.71564C>G, p.Pro23855Arg (NM_001256850.1); c.49292C>G, p.Pro16431Arg (NM_003319.4); c.68783C>G, p.Pro22928Arg (NM_133378.4); c.49667C>G, p.Pro16556Arg (NM_133432.3); c.49868C>G, p.Pro16623Arg (NM_133437.4); short protein forms P16431R, P25496R, P16556R, P22928R, P16623R, P23855R.
Identifiers: ClinVar variation 264259 (VCV000264259.5), dbSNP rs886039105, ClinGen allele CA10587476.

ClinVar aggregate classification (germline): Uncertain significance (1 of 4 stars; one submission).

Conditions:
Cardiovascular phenotype. Identifiers: MedGen CN230736.

Allele frequency attached by ClinVar (database versions not stated): gnomAD 0.00001; TOPMed 0.00001.
gnomAD v4.1: 2 of 1,611,954 alleles (0.00012%); highest among the groups gnomAD compares: African/African-American, 0.0027%; no homozygotes.

Submission:

Ambry Genetics
Classification: Uncertain significance for Cardiovascular phenotype. Last evaluated: 2015-08-12. Review status: criteria provided, single submitter. Criteria: Ambry Variant Classification Scheme 2023. Collection method: clinical testing. Allele origin: germline.
Comment: The p.P16431R variant (also known as c.49292C>G), located in coding exon 153 of the TTN gene, results from a C to G substitution at nucleotide position 49292. The proline at codon 16431 is replaced by arginine, an amino acid with dissimilar properties. This variant was not reported in population based cohorts in the following databases: Database of Single Nucleotide Polymorphisms (dbSNP), NHLBI Exome Sequencing Project (ESP), and 1000 Genomes Project. In the ESP, this variant was not observed in 5983 samples (11966 alleles) with coverage at this position. This amino acid position is highly conserved in available vertebrate species. In addition, the in silico prediction for this alteration is inconclusive. Since supporting evidence is limited at this time, the clinical significance of this variant remains unclear.